The following is an entry in ClinVar:

ClinVar aggregate classification (germline): Uncertain significance (1 of 4 stars; one submission).

Submission:

GeneDx
Classification: Uncertain significance. Last evaluated: 2022-12-21. Review status: criteria provided, single submitter. Criteria: GeneDx Variant Classification Process June 2021. Collection method: clinical testing. Allele origin: germline. Affected: yes.
Comment: Not observed at significant frequency in large population cohorts (gnomAD); Missense variants in this gene are often considered pathogenic (HGMD); In silico analysis supports that this missense variant has a deleterious effect on protein structure/function; Has not been previously published as pathogenic or benign to our knowledge; This substitution is predicted to be in the C-terminal cytoplasmic domain.

NM_172107.4(KCNQ2):c.2399G>T (p.Arg800Leu)

Gene: KCNQ2 (potassium voltage-gated channel subfamily Q member 2; minus strand). Cytogenetic location: 20q13.33.
Variant type: single nucleotide variant.
Coding change: c.2399G>T on transcript NM_172107.4 (MANE Select); coding-DNA position 2399, G replaced by T.
Protein change: p.Arg800Leu; replaces arginine 800 with leucine.
Molecular consequence: missense variant.
Genome position (GRCh38, 1-based): chr20:63,406,864, C>A on the plus strand (G>T on the coding strand, the complement: KCNQ2 is on the minus strand). VCF-style: chr20-63406864-C-A. GRCh37 (hg19) VCF-style: chr20-62038217-C-A.
Other names: c.2453G>T, p.Arg818Leu (NM_001382235.1); c.2315G>T, p.Arg772Leu (NM_004518.6); c.2345G>T, p.Arg782Leu (NM_172106.3); c.2306G>T, p.Arg769Leu (NM_172108.5); short protein forms R769L, R772L, R782L, R800L, R818L.
Identifiers: ClinVar variation 2506824 (VCV002506824.1), dbSNP rs772301648, ClinGen allele CA409637262.
Genomic context (GRCh38, chr20:63,406,864, plus strand): 5'-CAGCTGTTGAGAGCATCCAGGTTCTCCTTGGACTGGGAGATGCTGAAGCCGCTGAAGGAA[C>A]GCTCCAGCTCCTCGTGGTCCACGGACGGGATGGAGATGGACGTGTCGCTGTCCCGCAGGT-3'
Protein context (NP_742105.1, residues 790-810): IPSVDHEELE[Arg800Leu]SFSGFSISQS